The following is an entry in ClinVar:

ClinVar aggregate classification (germline): Uncertain significance (1 of 4 stars; one submission).

Conditions:
Hereditary cancer-predisposing syndrome. Also called: Neoplastic Syndromes, Hereditary; Tumor predisposition; Hereditary neoplastic syndrome; Hereditary Cancer Syndrome. Identifiers: Orphanet 140162, MedGen C0027672, MeSH D009386, MONDO:0015356.

Submission:

Ambry Genetics
Classification: Uncertain significance for Hereditary cancer-predisposing syndrome. Last evaluated: 2023-12-29. Review status: criteria provided, single submitter. Criteria: Ambry Variant Classification Scheme 2023. Collection method: clinical testing. Allele origin: germline.
Comment: The c.2465_2470delTGGGGCinsGGG variant (also known as p.V822_P824delinsGA), located in coding exon 14 of the RET gene, results from an in-frame deletion of TGGGGC and insertion of GGG at nucleotide positions 2465 to 2470. This results in the substitution of valine, glycine and proline residues for a glycine and alanine residue at codons 822 to 824. This amino acid region is not well conserved in available vertebrate species. In addition, this alteration is predicted to be deleterious by in silico analysis (Choi Y et al. PLoS ONE. 2012; 7(10):e46688). Since supporting evidence is limited at this time, the clinical significance of this alteration remains unclear.

NM_020975.6(RET):c.2465_2470delinsGGG (p.Val822_Pro824delinsGlyAla)

Gene: RET (ret proto-oncogene; plus strand). Cytogenetic location: 10q11.21.
Variant type: Indel.
Coding change: c.2465_2470delinsGGG on transcript NM_020975.6 (MANE Select); coding-DNA positions 2465 to 2470, TGGGGC replaced by GGG.
Protein change: p.Val822_Pro824delinsGlyAla.
Molecular consequence: inframe indel.
Genome position (GRCh38, 1-based): chr10:43,119,603-43,119,608, TGGGGC replaced by GGG. VCF-style: chr10-43119603-TGGGGC-GGG. GRCh37 (hg19) VCF-style: chr10-43615051-TGGGGC-GGG.
Other names: c.2465_2470delTGGGGCinsGGG, p.Val822_Pro824delinsGlyAla (NM_000323.2, NM_020629.2); c.1703_1708delinsGGG, p.Val568_Pro570delinsGlyAla (NM_001355216.2); c.2465_2470delinsGGG, p.Val822_Pro824delinsGlyAla (NM_001406743.1, NM_001406744.1, NM_001406759.1 and 2 more transcripts); c.2336_2341delinsGGG, p.Val779_Pro781delinsGlyAla (NM_001406761.1, NM_001406762.1, NM_001406764.1); c.2330_2335delinsGGG, p.Val777_Pro779delinsGlyAla (NM_001406763.1, NM_001406765.1); c.2177_2182delinsGGG, p.Val726_Pro728delinsGlyAla (NM_001406766.1, NM_001406767.1, NM_001406770.1); c.2201_2206delinsGGG, p.Val734_Pro736delinsGlyAla (NM_001406768.1); c.2069_2074delinsGGG, p.Val690_Pro692delinsGlyAla (NM_001406769.1, NM_001406772.1); and 11 more.
Identifiers: ClinVar variation 3227530 (VCV003227530.1), dbSNP rs2538563483, ClinGen allele CA2825001669.
Genomic context (GRCh38, chr10:43,119,603, plus strand): 5'-TCATCGTGGAGTACGCCAAATACGGCTCCCTGCGGGGCTTCCTCCGCGAGAGCCGCAAAG[TGGGGC>GGG]CTGGCTACCTGGGCAGTGGAGGCAGCCGCAACTCCAGCTCCCTGGACCACCCGGATGAGC-3'